The following is an entry in ClinVar:

ClinVar aggregate classification (germline): Benign/Likely benign. Review status: criteria provided, multiple submitters, no conflicts (2 of 4 stars). 6 submissions from 6 submitters: Benign (3); Likely benign (3). Last evaluated 2026-08-01.

Conditions:
Inborn genetic diseases. Identifiers: MedGen C0950123, MeSH D030342.
Childhood apraxia of speech (SPCH1). Also called: FOXP2-Related Speech and Language Disorder; SPEECH AND LANGUAGE DISORDER WITH OROFACIAL DYSPRAXIA; DEVELOPMENTAL VERBAL DYSPRAXIA; Speech language disorder. Identifiers: Orphanet 209908, MedGen C0750927, MONDO:0011184, OMIM 602081.

Allele frequency attached by ClinVar (database versions not stated): 1000 Genomes Project 30x 0.00031; 1000 Genomes Project 0.00040; ESP Exome Variant Server 0.00139; ExAC 0.00147; gnomAD exomes 0.00169 and 0.00291; gnomAD 0.00196 and 0.00209.
gnomAD v4.1: 4,461 of 1,609,350 alleles (0.28%); highest among the groups gnomAD compares: Non-Finnish European, 0.35%; 5 homozygotes.

Submissions (6):

CeGaT Center for Human Genetics Tuebingen
Classification: Likely benign. Last evaluated: 2026-08-01. Review status: criteria provided, single submitter. Criteria: CeGaT Center For Human Genetics Tuebingen Variant Classification Criteria Version 2. Collection method: clinical testing. Allele origin: germline. Affected: yes. Observed: 15 variant alleles.
Comment: FOXP2: BP4, BP7, BS1

Labcorp Genetics (formerly Invitae), Labcorp
Classification: Benign. Last evaluated: 2019-12-31. Review status: criteria provided, single submitter. Criteria: Invitae Variant Classification Sherloc (09022015). Collection method: clinical testing. Allele origin: germline.

Genetic Services Laboratory, University of Chicago
Classification: Likely benign. Last evaluated: 2019-10-30. Review status: criteria provided, single submitter. Criteria: ACMG Guidelines, 2015. Collection method: clinical testing. Allele origin: germline. Affected: no.

Illumina Laboratory Services, Illumina
Classification: Benign for Childhood apraxia of speech. Last evaluated: 2018-01-12. Review status: criteria provided, single submitter. Criteria: ICSL Variant Classification Criteria 13 December 2019. Collection method: clinical testing. Allele origin: germline.
Comment: This variant was observed in the ICSL laboratory as part of a predisposition screen in an ostensibly healthy population. It had not been previously curated by ICSL or reported in the Human Gene Mutation Database (HGMD: prior to June 1st, 2018), and was therefore a candidate for classification through an automated scoring system. Utilizing variant allele frequency, disease prevalence and penetrance estimates, and inheritance mode, an automated score was calculated to assess if this variant is too frequent to cause the disease. Based on the score and internal cut-off values, a variant classified as benign is not then subjected to further curation. The score for this variant resulted in a classification of benign for this disease.

Eurofins Ntd Llc (ga)
Classification: Benign. Last evaluated: 2016-09-12. Review status: criteria provided, single submitter. Criteria: EGL Classification Definitions 2015. Collection method: clinical testing. Allele origin: germline. Observed: 5 variant alleles, 5 heterozygotes.

Ambry Genetics
Classification: Likely benign for Inborn genetic diseases. Last evaluated: 2016-07-18. Review status: criteria provided, single submitter. Criteria: Ambry Variant Classification Scheme 2023. Collection method: clinical testing. Allele origin: germline.

NM_014491.4(FOXP2):c.552A>G (p.Gln184=)

Gene: FOXP2 (forkhead box P2; plus strand). Cytogenetic location: 7q31.1.
Variant type: single nucleotide variant.
Coding change: c.552A>G on transcript NM_014491.4 (MANE Select); coding-DNA position 552, A replaced by G.
Protein change: p.Gln184=; no amino-acid change (glutamine 184 retained).
Molecular consequence: synonymous variant. On other transcripts: non-coding transcript variant (2).
Genome position (GRCh38, 1-based): chr7:114,629,960, A>G. VCF-style: chr7-114629960-A-G. GRCh37 (hg19) VCF-style: chr7-114270015-A-G.
Other names: c.552A>G, p.Gln184= (NM_001172766.3, NM_148899.3); c.627A>G, p.Gln209= (NM_001172767.2, NM_148898.4); c.603A>G, p.Gln201= (NM_148900.4).
Identifiers: ClinVar variation 95610 (VCV000095610.51), dbSNP rs146945410, ClinGen allele CA223151.